The following is an entry in ClinVar:

ClinVar aggregate classification (germline): Likely benign. Review status: reviewed by expert panel (3 of 4 stars). 5 submissions from 5 submitters: Likely benign (1). 4 of the submissions do not count toward it. Last evaluated 2025-02-04.

Conditions:
Hereditary hemorrhagic telangiectasia (HHT). Also called: ORW DISEASE; Osler Weber Rendu syndrome; OSLER-RENDU-WEBER DISEASE; Osler hemorrhagic telangiectasia syndrome. Identifiers: Orphanet 774, MedGen C0039445, MONDO:0019180. Disease mechanism: loss of function.
ENG-related disorder. Also called: ENG-related condition; ENG-related disorders.
Telangiectasia, hereditary hemorrhagic, type 1 (HHT1). Also called: Osler Weber Rendu syndrome type 1; ENG-Related Hereditary Hemorrhagic Telangiectasia. Identifiers: Orphanet 774, MedGen C4551861, MONDO:0008535, OMIM 187300. Disease mechanism: loss of function.

Allele frequency attached by ClinVar (database versions not stated): 1000 Genomes Project 0.00160; TOPMed 0.00032; gnomAD 0.00034 and 0.00038; ExAC 0.00021; ESP Exome Variant Server 0.00023; gnomAD exomes 0.00005 and 0.00018; 1000 Genomes Project 30x 0.00141.
gnomAD v4.1: 130 of 1,613,772 alleles (0.0081%); highest among the groups gnomAD compares: African/African-American, 0.087%; no homozygotes.

Submissions (5):

ClinGen Hereditary Hemorrhagic Telangiectasia Variant Curation Expert Panel, ClinGen
Classification: Likely benign for Telangiectasia, hereditary hemorrhagic, type 1. Last evaluated: 2025-02-04. Review status: reviewed by expert panel. Criteria: ClinGen HHT ACMG Specifications ENG V1.1.0. Collection method: curation. Allele origin: germline. Inheritance: Autosomal dominant inheritance.
Comment: The NM_001114753.3: c.1447G>A variant in ENG is a missense variant predicted to cause substitution of valine by isoleucine at amino acid 483 (p.Val483Ile). The filtering allele frequency (the lower threshold of the 95% CI of 28/19926) of the c.1447G>A variant in ENG is 0.0009914 for East Asian chromosomes by gnomAD v2.1.1, which is higher than the ClinGen Hereditary Hemorrhagic Telangiectasia Variant Curation Expert Panel threshold (>0.0008-0.002) for BS1_Supporting, and therefore meets this criterion (BS1_Supporting). The computational predictor REVEL gives a score of 0.094, which is below the threshold of ≤0.15, and the splice site predictor SpliceAI indicated that the variant has no impact on splicing, evidence that does not predict a damaging effect on ENG function (BP4). In summary, this variant meets the criteria to be classified as likely benign for autosomal dominant hereditary hemorrhagic telangiectasia based on the ACMG/AMP criteria applied, as specified by the ClinGen Hereditary Hemorrhagic Telangiectasia Variant Curation Expert Panel: BS1_Supporting, BP4 (specifications version 1.1.0; 02/04/2025).

Labcorp Genetics (formerly Invitae), Labcorp
Classification: Likely benign for Hereditary hemorrhagic telangiectasia. Last evaluated: 2025-12-16. Review status: criteria provided, single submitter. Criteria: Invitae Variant Classification Sherloc (09022015). Collection method: clinical testing. Allele origin: germline. Not counted in ClinVar's aggregate classification.

Blueprint Genetics
Classification: Likely benign. Last evaluated: 2023-11-30. Review status: criteria provided, single submitter. Criteria: ACMG Guidelines, 2015. Collection method: clinical testing. Allele origin: germline. Not counted in ClinVar's aggregate classification.

ARUP Laboratories, Molecular Genetics and Genomics, ARUP Laboratories
Classification: Uncertain significance for Telangiectasia, hereditary hemorrhagic, type 1. Last evaluated: 2023-09-06. Review status: criteria provided, single submitter. Criteria: ARUP Molecular Germline Variant Investigation Process 2024. Collection method: clinical testing. Allele origin: germline. Not counted in ClinVar's aggregate classification.
Comment: The ENG c.1447G>A; p.Val483Ile variant (rs141330288), to our knowledge, is not reported in the medical literature but is reported as likely benign in ClinVar (Variation ID: 414304). This variant is found in the general population with an overall allele frequency of 0.02% (48/274678 alleles) in the Genome Aggregation Database, with an increased frequency of 0.1% in East Asians. The valine at codon 483 is weakly conserved, and computational analyses (SIFT, PolyPhen-2) predict that this variant is tolerated. However, given the lack of clinical and functional data, the significance of the p.Val483Ile variant is uncertain at this time.

PreventionGenetics, part of Exact Sciences
Classification: Likely benign for ENG-related condition. Last evaluated: 2022-03-01. Review status: no assertion criteria provided. Collection method: clinical testing. Allele origin: germline. Not counted in ClinVar's aggregate classification.
Comment: This variant is classified as likely benign based on ACMG/AMP sequence variant interpretation guidelines (Richards et al. 2015 PMID: 25741868, with internal and published modifications).

NM_001114753.3(ENG):c.1447G>A (p.Val483Ile)

Genes: ENG (endoglin; minus strand), LOC102723566 (uncharacterized LOC102723566; plus strand). Cytogenetic location: 9q34.11.
Variant type: single nucleotide variant.
Coding change: c.1447G>A on transcript NM_001114753.3 (MANE Select); coding-DNA position 1447, G replaced by A.
Protein change: p.Val483Ile; replaces valine 483 with isoleucine.
Molecular consequence: missense variant. On other transcripts: non-coding transcript variant (1).
Genome position (GRCh38, 1-based): chr9:127,818,359, C>T on the plus strand (G>A on the coding strand, the complement: ENG is on the minus strand). VCF-style: chr9-127818359-C-T. GRCh37 (hg19) VCF-style: chr9-130580638-C-T.
Other names: NM_001114753.3(ENG):c.1447G>A; c.1447G>A, p.Val483Ile (NM_000118.4); c.901G>A, p.Val301Ile (NM_001278138.2); short protein forms V483I, V301I.
Identifiers: ClinVar variation 414304 (VCV000414304.24), dbSNP rs141330288, ClinGen allele CA5252756.